The following is an entry in ClinVar:

NM_001370.2(DNAH6):c.9807C>T (p.Ala3269=)

Gene: DNAH6 (dynein axonemal heavy chain 6; plus strand). Cytogenetic location: 2p11.2.
Variant type: single nucleotide variant.
Coding change: c.9807C>T on transcript NM_001370.2 (MANE Select); coding-DNA position 9807, C replaced by T.
Protein change: p.Ala3269=; no amino-acid change (alanine 3269 retained).
Molecular consequence: synonymous variant.
Genome position (GRCh38, 1-based): chr2:84,722,639, C>T. VCF-style: chr2-84722639-C-T. GRCh37 (hg19) VCF-style: chr2-84949763-C-T.
Identifiers: ClinVar variation 708460 (VCV000708460.6), dbSNP rs146647563, ClinGen allele CA1737644.
Genomic context (GRCh38, chr2:84,722,639, plus strand): 5'-TTTCTGGAACAGATCCCTAAGAACTTGTTATTGTATGTTTATTCAGATCACTTCTGGTGC[C>T]ATTAAAACCAGGCTGGAAGAAGCAGAGTCCACTGAGCAGATGATCAATGTGGCTCGTGAG-3'
Protein context (NP_001361.1, residues 3259-3279): TLQDSKITSG[Ala3269=]IKTRLEEAES

ClinVar aggregate classification (germline): Benign. Review status: criteria provided, multiple submitters, no conflicts (2 of 4 stars). 3 submissions from 3 submitters: Benign (2). 1 of the submissions does not count toward it. Last evaluated 2018-04-04.

Conditions:
DNAH6-related disorder. Also called: DNAH6-related condition.

Allele frequency attached by ClinVar (database versions not stated): gnomAD exomes 0.00028 and 0.00067; ExAC 0.00121; ESP Exome Variant Server 0.00263; gnomAD 0.00287 and 0.00303; TOPMed 0.00332; 1000 Genomes Project 0.00399; 1000 Genomes Project 30x 0.00468.
gnomAD v4.1: 822 of 1,548,650 alleles (0.053%); highest among the groups gnomAD compares: African/African-American, 1%; 7 homozygotes.

Submissions (3):

Labcorp Genetics (formerly Invitae), Labcorp
Classification: Benign. Last evaluated: 2018-04-04. Review status: criteria provided, single submitter. Criteria: Invitae Variant Classification Sherloc (09022015). Collection method: clinical testing. Allele origin: germline.

Breakthrough Genomics
Classification: Benign. Review status: criteria provided, single submitter. Criteria: ACMG Guidelines, 2015. Collection method: not provided. Allele origin: germline. Inheritance: Unknown mechanism. Affected: yes.

PreventionGenetics, part of Exact Sciences
Classification: Likely benign for DNAH6-related condition. Last evaluated: 2019-04-11. Review status: no assertion criteria provided. Collection method: clinical testing. Allele origin: germline. Not counted in ClinVar's aggregate classification.
Comment: This variant is classified as likely benign based on ACMG/AMP sequence variant interpretation guidelines (Richards et al. 2015 PMID: 25741868, with internal and published modifications).